The following is an entry in ClinVar:

NM_003476.5(CSRP3):c.169T>C (p.Tyr57His)

Gene: CSRP3 (cysteine and glycine rich protein 3; minus strand). Cytogenetic location: 11p15.1.
Variant type: single nucleotide variant.
Coding change: c.169T>C on transcript NM_003476.5 (MANE Select); coding-DNA position 169, T replaced by C.
Protein change: p.Tyr57His; replaces tyrosine 57 with histidine.
Molecular consequence: missense variant. On other transcripts: intron variant (1).
Genome position (GRCh38, 1-based): chr11:19,188,248, A>G on the plus strand (T>C on the coding strand, the complement: CSRP3 is on the minus strand). VCF-style: chr11-19188248-A-G. GRCh37 (hg19) VCF-style: chr11-19209795-A-G.
Other names: c.113-1900T>C (NM_001369404.1); short protein forms Y57H.
Identifiers: ClinVar variation 4794171 (VCV004794171.1).

ClinVar aggregate classification (germline): Uncertain significance (1 of 4 stars; one submission).

Conditions:
Dilated cardiomyopathy 1M (CMD1M). Identifiers: Orphanet 154, MedGen C1843808, MONDO:0011840, OMIM 607482.
Hypertrophic cardiomyopathy 12. Identifiers: MedGen C2677491, MONDO:0012804, OMIM 612124.

gnomAD v4.1: 1 of 1,613,126 alleles (0.000062%); highest among the groups gnomAD compares: Non-Finnish European, 0.000085%; no homozygotes.

Submission:

Labcorp Genetics (formerly Invitae), Labcorp
Classification: Uncertain significance for Hypertrophic cardiomyopathy 12; Dilated cardiomyopathy 1M. Last evaluated: 2025-05-23. Review status: criteria provided, single submitter. Criteria: Invitae Variant Classification Sherloc (09022015). Collection method: clinical testing. Allele origin: germline.
Comment: This sequence change replaces tyrosine, which is neutral and polar, with histidine, which is basic and polar, at codon 57 of the CSRP3 protein (p.Tyr57His). This variant is present in population databases (rs374764059, gnomAD 0.0009%). This variant has not been reported in the literature in individuals affected with CSRP3-related conditions. An algorithm developed to predict the effect of missense changes on protein structure and function (PolyPhen-2) suggests that this variant is likely to be tolerated. In summary, the available evidence is currently insufficient to determine the role of this variant in disease. Therefore, it has been classified as a Variant of Uncertain Significance.